The following is an entry in ClinVar:

ClinVar aggregate classification (germline): Uncertain significance (1 of 4 stars; one submission).

gnomAD v4.1: 1 of 1,613,948 alleles (0.000062%); highest among the groups gnomAD compares: South Asian, 0.0011%; no homozygotes.

Submission:

CeGaT Center for Human Genetics Tuebingen
Classification: Uncertain significance. Last evaluated: 2022-11-01. Review status: criteria provided, single submitter. Criteria: CeGaT Center For Human Genetics Tuebingen Variant Classification Criteria Version 2. Collection method: clinical testing. Allele origin: germline. Affected: yes. Observed: 1 variant allele.
Comment: GRIN2B: PM2, PP2

NM_000834.5(GRIN2B):c.3625C>G (p.Arg1209Gly)

Gene: GRIN2B (glutamate ionotropic receptor NMDA type subunit 2B; minus strand). Cytogenetic location: 12p13.1.
Variant type: single nucleotide variant.
Coding change: c.3625C>G on transcript NM_000834.5 (MANE Select); coding-DNA position 3625, C replaced by G.
Protein change: p.Arg1209Gly; replaces arginine 1209 with glycine.
Molecular consequence: missense variant.
Genome position (GRCh38, 1-based): chr12:13,563,613, G>C on the plus strand (C>G on the coding strand, the complement: GRIN2B is on the minus strand). VCF-style: chr12-13563613-G-C. GRCh37 (hg19) VCF-style: chr12-13716547-G-C.
Other names: c.3625C>G, p.Arg1209Gly (NM_001413992.1); short protein forms R1209G.
Identifiers: ClinVar variation 2642745 (VCV002642745.24), dbSNP rs1488088518, ClinGen allele CA383988059.